The following is an entry in ClinVar:

ClinVar aggregate classification (germline): Uncertain significance (1 of 4 stars; one submission).

Conditions:
Hereditary cancer-predisposing syndrome. Also called: Neoplastic Syndromes, Hereditary; Tumor predisposition; Hereditary Cancer Syndrome; Hereditary neoplastic syndrome. Identifiers: Orphanet 140162, MedGen C0027672, MeSH D009386, MONDO:0015356.

Submission:

Ambry Genetics
Classification: Uncertain significance for Hereditary cancer-predisposing syndrome. Last evaluated: 2024-09-12. Review status: criteria provided, single submitter. Criteria: Ambry Variant Classification Scheme 2023. Collection method: clinical testing. Allele origin: germline.
Comment: The p.S1335R variant (also known as c.4005C>G), located in coding exon 15 of the APC gene, results from a C to G substitution at nucleotide position 4005. The serine at codon 1335 is replaced by arginine, an amino acid with dissimilar properties. This amino acid position is poorly conserved in available vertebrate species. In addition, in silico predictors for this gene do not accurately predict pathogenicity. Based on the available evidence, the clinical significance of this variant remains unclear.

NM_000038.6(APC):c.4005C>G (p.Ser1335Arg)

Gene: APC (APC regulator of Wnt signaling pathway; plus strand). Cytogenetic location: 5q22.2.
Variant type: single nucleotide variant.
Coding change: c.4005C>G on transcript NM_000038.6 (MANE Select); coding-DNA position 4005, C replaced by G.
Protein change: p.Ser1335Arg; replaces serine 1335 with arginine.
Molecular consequence: missense variant. On other transcripts: non-coding transcript variant (2).
Genome position (GRCh38, 1-based): chr5:112,839,599, C>G. VCF-style: chr5-112839599-C-G. GRCh37 (hg19) VCF-style: chr5-112175296-C-G.
Other names: c.4005C>G, p.Ser1335Arg (NM_001127510.3, NM_001354895.2, NM_001407450.1); c.3951C>G, p.Ser1317Arg (NM_001127511.3); c.4059C>G, p.Ser1353Arg (NM_001354896.2, NM_001407447.1, NM_001407448.1 and 1 more transcripts); c.4035C>G, p.Ser1345Arg (NM_001354897.2); c.3930C>G, p.Ser1310Arg (NM_001354898.2); c.3921C>G, p.Ser1307Arg (NM_001354899.2); c.3882C>G, p.Ser1294Arg (NM_001354900.2); c.3828C>G, p.Ser1276Arg (NM_001354901.2, NM_001407453.1); and 11 more; short protein forms S1206R, S1209R, S1234R, S1307R, S1310R, S1353R, S1052R, S1175R.
Identifiers: ClinVar variation 3411003 (VCV003411003.1).